The following is an entry in ClinVar:

NM_006245.4(PPP2R5D):c.36C>A (p.Pro12=)

Gene: PPP2R5D (protein phosphatase 2 regulatory subunit B'delta; plus strand). Cytogenetic location: 6p21.1.
Variant type: single nucleotide variant.
Coding change: c.36C>A on transcript NM_006245.4 (MANE Select); coding-DNA position 36, C replaced by A.
Protein change: p.Pro12=; no amino-acid change (proline 12 retained).
Molecular consequence: synonymous variant. On other transcripts: 5 prime UTR variant (1), intron variant (1).
Genome position (GRCh38, 1-based): chr6:42,989,619, C>A. VCF-style: chr6-42989619-C-A. GRCh37 (hg19) VCF-style: chr6-42957357-C-A.
Other names: c.-435C>A (NM_001270476.2); c.36C>A, p.Pro12= (NM_180976.3); c.27+4915C>A (NM_180977.3).
Identifiers: ClinVar variation 3026586 (VCV003026586.22), dbSNP rs2481337994, ClinGen allele CA450255155.

ClinVar aggregate classification (germline): Likely benign (1 of 4 stars; one submission).

gnomAD v4.1: 2 of 1,613,510 alleles (0.00012%); highest among the groups gnomAD compares: Non-Finnish European, 0.00017%; no homozygotes.

Submission:

CeGaT Center for Human Genetics Tuebingen
Classification: Likely benign. Last evaluated: 2023-12-01. Review status: criteria provided, single submitter. Criteria: CeGaT Center For Human Genetics Tuebingen Variant Classification Criteria Version 2. Collection method: clinical testing. Allele origin: germline. Affected: yes. Observed: 1 variant allele.
Comment: PPP2R5D: PM2:Supporting, BP4, BP7